The following is an entry in ClinVar:

ClinVar aggregate classification (germline): Uncertain significance (1 of 4 stars; one submission).

Allele frequency attached by ClinVar (database versions not stated): gnomAD 0.00001.
gnomAD v4.1: 8 of 1,614,088 alleles (0.0005%); highest among the groups gnomAD compares: Admixed American, 0.0017%; no homozygotes.

Submission:

Labcorp Genetics (formerly Invitae), Labcorp
Classification: Uncertain significance. Last evaluated: 2024-05-06. Review status: criteria provided, single submitter. Criteria: Invitae Variant Classification Sherloc (09022015). Collection method: clinical testing. Allele origin: germline.
Comment: This sequence change replaces alanine, which is neutral and non-polar, with threonine, which is neutral and polar, at codon 840 of the CLCN6 protein (p.Ala840Thr). This variant is present in population databases (rs375970486, gnomAD 0.003%). This variant has not been reported in the literature in individuals affected with CLCN6-related conditions. ClinVar contains an entry for this variant (Variation ID: 1428256). An algorithm developed to predict the effect of missense changes on protein structure and function (PolyPhen-2) suggests that this variant is likely to be disruptive. In summary, the available evidence is currently insufficient to determine the role of this variant in disease. Therefore, it has been classified as a Variant of Uncertain Significance.

NM_001286.5(CLCN6):c.2518G>A (p.Ala840Thr)

Genes: CLCN6 (Cl-/H+ antiporter 6; plus strand), LOC129929417 (ATAC-STARR-seq lymphoblastoid active region 178; plus strand). Cytogenetic location: 1p36.22.
Variant type: single nucleotide variant.
Coding change: c.2518G>A on transcript NM_001286.5 (MANE Select); coding-DNA position 2518, G replaced by A.
Protein change: p.Ala840Thr; replaces alanine 840 with threonine.
Molecular consequence: missense variant. On other transcripts: non-coding transcript variant (1).
Genome position (GRCh38, 1-based): chr1:11,838,649, G>A. VCF-style: chr1-11838649-G-A. GRCh37 (hg19) VCF-style: chr1-11898706-G-A.
Other names: c.2452G>A, p.Ala818Thr (NM_001256959.2); short protein forms A818T, A840T.
Identifiers: ClinVar variation 1428256 (VCV001428256.6), dbSNP rs375970486, ClinGen allele CA596876.
Genomic context (GRCh38, chr1:11,838,649, plus strand): 5'-GTCTCCCAAGTCTTCAACCTGTTCAGAACGATGGGCCTGCGCCACCTGCCCGTGGTGAAC[G>A]CTGTGGGAGAGGTGAGCGAGGCCCCGGCCCTGCCCCCACCTTTGAGAGAGGATCCCCTAG-3'
Protein context (NP_001277.2, residues 830-850): MGLRHLPVVN[Ala840Thr]VGEIVGIITR